The following is an entry in ClinVar:

NM_001035.3(RYR2):c.380G>C (p.Gly127Ala)

Gene: RYR2 (ryanodine receptor 2; plus strand). Cytogenetic location: 1q43.
Variant type: single nucleotide variant.
Coding change: c.380G>C on transcript NM_001035.3 (MANE Select); coding-DNA position 380, G replaced by C.
Protein change: p.Gly127Ala; replaces glycine 127 with alanine.
Molecular consequence: missense variant.
Genome position (GRCh38, 1-based): chr1:237,369,604, G>C. VCF-style: chr1-237369604-G-C. GRCh37 (hg19) VCF-style: chr1-237532904-G-C.
Other names: c.380G>C (NM_001035.2); short protein forms G127A.
Identifiers: ClinVar variation 2774237 (VCV002774237.3), dbSNP rs1401346784, ClinGen allele CA345655055.

ClinVar aggregate classification (germline): Uncertain significance. Review status: criteria provided, multiple submitters, no conflicts (2 of 4 stars). 2 submissions from 2 submitters: Uncertain significance (2). Last evaluated 2026-02-21.

Conditions:
Cardiomyopathy (CMYO). Also called: Cardiomyopathies. Identifiers: Orphanet 167848, MedGen C0878544, MONDO:0004994, HP:0001638. Inheritance: Various modes of inheritance.

Allele frequency attached by ClinVar (database versions not stated): gnomAD exomes below 0.00001; TOPMed below 0.00001.
gnomAD v4.1: 2 of 1,558,594 alleles (0.00013%); highest among the groups gnomAD compares: Admixed American, 0.0019%; no homozygotes.

Submissions (2):

GeneDx
Classification: Uncertain significance. Last evaluated: 2026-02-21. Review status: criteria provided, single submitter. Criteria: GeneDx Variant Classification Process June 2021. Collection method: clinical testing. Allele origin: germline.
Comment: Not observed at significant frequency in large population cohorts (gnomAD); In silico analysis supports that this missense variant has a deleterious effect on protein structure/function; Has not been previously published as pathogenic or benign to our knowledge; Located in one of the three hot-spot regions of the RYR2 gene, where the majority of pathogenic missense variants occur (PMID: 19926015); This variant is associated with the following publications: (PMID: 19926015)

Color Diagnostics, LLC DBA Color Health
Classification: Uncertain significance for Cardiomyopathy. Last evaluated: 2024-03-07. Review status: criteria provided, single submitter. Criteria: ACMG Guidelines, 2015. Collection method: clinical testing. Allele origin: germline.
Comment: This missense variant replaces glycine with alanine at codon 127 of the RYR2 protein. Computational prediction suggests that this variant may have deleterious impact on protein structure and function (internally defined REVEL score threshold >= 0.7, PMID: 27666373). To our knowledge, functional studies have not been reported for this variant. This variant has not been reported in individuals affected with cardiovascular disorders in the literature. This variant has been identified in 1/168088 chromosomes in the general population by the Genome Aggregation Database (gnomAD). The available evidence is insufficient to determine the role of this variant in disease conclusively. Therefore, this variant is classified as a Variant of Uncertain Significance.